The following is an entry in ClinVar:

NM_021620.4(PRDM13):c.2047G>A (p.Asp683Asn)

Gene: PRDM13 (PR/SET domain 13; plus strand). Cytogenetic location: 6q16.2.
Variant type: single nucleotide variant.
Coding change: c.2047G>A on transcript NM_021620.4 (MANE Select); coding-DNA position 2047, G replaced by A.
Protein change: p.Asp683Asn; replaces aspartic acid 683 with asparagine.
Molecular consequence: missense variant.
Genome position (GRCh38, 1-based): chr6:99,614,682, G>A. VCF-style: chr6-99614682-G-A. GRCh37 (hg19) VCF-style: chr6-100062558-G-A.
Other names: short protein forms D683N.
Identifiers: ClinVar variation 938753 (VCV000938753.10), dbSNP rs531837360, ClinGen allele CA3936495.

ClinVar aggregate classification (germline): Uncertain significance (1 of 4 stars; one submission).

Allele frequency attached by ClinVar (database versions not stated): TOPMed below 0.00001; ExAC 0.00001; gnomAD exomes 0.00001; 1000 Genomes Project 30x 0.00016; 1000 Genomes Project 0.00020.
gnomAD v4.1: 15 of 1,611,016 alleles (0.00093%); highest among the groups gnomAD compares: African/African-American, 0.0013%; no homozygotes.

Submission:

Labcorp Genetics (formerly Invitae), Labcorp
Classification: Uncertain significance. Last evaluated: 2024-03-22. Review status: criteria provided, single submitter. Criteria: Invitae Variant Classification Sherloc (09022015). Collection method: clinical testing. Allele origin: germline.
Comment: This sequence change replaces aspartic acid, which is acidic and polar, with asparagine, which is neutral and polar, at codon 683 of the PRDM13 protein (p.Asp683Asn). This variant is present in population databases (rs531837360, gnomAD 0.002%). This variant has not been reported in the literature in individuals affected with PRDM13-related conditions. ClinVar contains an entry for this variant (Variation ID: 938753). An algorithm developed to predict the effect of missense changes on protein structure and function (PolyPhen-2) suggests that this variant is likely to be tolerated. In summary, the available evidence is currently insufficient to determine the role of this variant in disease. Therefore, it has been classified as a Variant of Uncertain Significance.